The following is an entry in ClinVar:

NM_000553.6(WRN):c.2733-6G>A

Gene: WRN (WRN RecQ like helicase; plus strand). Cytogenetic location: 8p12.
Variant type: single nucleotide variant.
Coding change: c.2733-6G>A on transcript NM_000553.6 (MANE Select); 6 bases into the intron before coding-DNA position 2733, G replaced by A.
Molecular consequence: intron variant.
Genome position (GRCh38, 1-based): chr8:31,124,902, G>A. VCF-style: chr8-31124902-G-A. GRCh37 (hg19) VCF-style: chr8-30982418-G-A.
Identifiers: ClinVar variation 1435949 (VCV001435949.3), dbSNP rs2130344241, ClinGen allele CA2573142674.

ClinVar aggregate classification (germline): Uncertain significance (1 of 4 stars; one submission).

Conditions:
Werner syndrome (WRN). Identifiers: Orphanet 902, MedGen C0043119, MONDO:0010196, OMIM 277700.

Allele frequency attached by ClinVar (database versions not stated): gnomAD exomes below 0.00001.
gnomAD v4.1: 1 of 1,611,784 alleles (0.000062%); no homozygotes.

Submission:

Labcorp Genetics (formerly Invitae), Labcorp
Classification: Uncertain significance for Werner syndrome. Last evaluated: 2021-12-06. Review status: criteria provided, single submitter. Criteria: Invitae Variant Classification Sherloc (09022015). Collection method: clinical testing. Allele origin: germline.
Comment: This sequence change falls in intron 22 of the WRN gene. It does not directly change the encoded amino acid sequence of the WRN protein. This variant is not present in population databases (gnomAD no frequency). This variant has not been reported in the literature in individuals affected with WRN-related conditions. Algorithms developed to predict the effect of sequence changes on RNA splicing suggest that this variant may disrupt the consensus splice site. In summary, the available evidence is currently insufficient to determine the role of this variant in disease. Therefore, it has been classified as a Variant of Uncertain Significance.